The following is an entry in ClinVar:

NM_145200.5(CABP4):c.319G>A (p.Ala107Thr)

Gene: CABP4 (calcium binding protein 4; plus strand). Cytogenetic location: 11q13.2.
Variant type: single nucleotide variant.
Coding change: c.319G>A on transcript NM_145200.5 (MANE Select); coding-DNA position 319, G replaced by A.
Protein change: p.Ala107Thr; replaces alanine 107 with threonine.
Molecular consequence: missense variant. On other transcripts: 5 prime UTR variant (3), non-coding transcript variant (1).
Genome position (GRCh38, 1-based): chr11:67,455,742, G>A. VCF-style: chr11-67455742-G-A. GRCh37 (hg19) VCF-style: chr11-67223213-G-A.
Other names: c.319G>A (NM_145200.3); c.-65G>A (NM_001300895.3); c.-79G>A (NM_001300896.3, NM_001379183.1); short protein forms A107T.
Identifiers: ClinVar variation 2146140 (VCV002146140.5), dbSNP rs1451864097, ClinGen allele CA381528604.

ClinVar aggregate classification (germline): Uncertain significance. Review status: criteria provided, multiple submitters, no conflicts (2 of 4 stars). 2 submissions from 2 submitters: Uncertain significance (2). Last evaluated 2025-04-08.

Conditions:
Inborn genetic diseases. Identifiers: MedGen C0950123, MeSH D030342.

Allele frequency attached by ClinVar (database versions not stated): gnomAD exomes below 0.00001.
gnomAD v4.1: 2 of 1,600,256 alleles (0.00012%); highest among the groups gnomAD compares: Non-Finnish European, 0.00017%; no homozygotes.

Submissions (2):

Ambry Genetics
Classification: Uncertain significance for Inborn genetic diseases. Last evaluated: 2025-04-08. Review status: criteria provided, single submitter. Criteria: Ambry Variant Classification Scheme 2023. Collection method: clinical testing. Allele origin: germline.

Labcorp Genetics (formerly Invitae), Labcorp
Classification: Uncertain significance. Last evaluated: 2024-11-11. Review status: criteria provided, single submitter. Criteria: Invitae Variant Classification Sherloc (09022015). Collection method: clinical testing. Allele origin: germline.
Comment: This sequence change replaces alanine, which is neutral and non-polar, with threonine, which is neutral and polar, at codon 107 of the CABP4 protein (p.Ala107Thr). This variant is not present in population databases (gnomAD no frequency). This variant has not been reported in the literature in individuals affected with CABP4-related conditions. ClinVar contains an entry for this variant (Variation ID: 2146140). Invitae Evidence Modeling of protein sequence and biophysical properties (such as structural, functional, and spatial information, amino acid conservation, physicochemical variation, residue mobility, and thermodynamic stability) indicates that this missense variant is not expected to disrupt CABP4 protein function with a negative predictive value of 80%. In summary, the available evidence is currently insufficient to determine the role of this variant in disease. Therefore, it has been classified as a Variant of Uncertain Significance.